The following is an entry in ClinVar:

NM_003000.3(SDHB):c.224C>T (p.Ala75Val)

Gene: SDHB (succinate dehydrogenase complex iron sulfur subunit B; minus strand). Cytogenetic location: 1p36.13.
Variant type: single nucleotide variant.
Coding change: c.224C>T on transcript NM_003000.3 (MANE Select); coding-DNA position 224, C replaced by T.
Protein change: p.Ala75Val; replaces alanine 75 with valine.
Molecular consequence: missense variant.
Genome position (GRCh38, 1-based): chr1:17,033,122, G>A on the plus strand (C>T on the coding strand, the complement: SDHB is on the minus strand). VCF-style: chr1-17033122-G-A. GRCh37 (hg19) VCF-style: chr1-17359617-G-A.
Other names: c.224C>T, p.Ala75Val (NM_001407361.1); short protein forms A75V.
Identifiers: ClinVar variation 3390182 (VCV003390182.15).

ClinVar aggregate classification (germline): Uncertain significance. Review status: criteria provided, multiple submitters, no conflicts (2 of 4 stars). 2 submissions from 2 submitters: Uncertain significance (2). Last evaluated 2026-07-06.

Conditions:
Hereditary cancer-predisposing syndrome. Also called: Neoplastic Syndromes, Hereditary; Tumor predisposition; Hereditary Cancer Syndrome; Hereditary neoplastic syndrome. Identifiers: Orphanet 140162, MedGen C0027672, MeSH D009386, MONDO:0015356.

Submissions (2):

Ambry Genetics
Classification: Uncertain significance for Hereditary cancer-predisposing syndrome. Last evaluated: 2026-07-06. Review status: criteria provided, single submitter. Criteria: Ambry Variant Classification Scheme 2023. Collection method: clinical testing. Allele origin: germline.
Comment: The p.A75V variant (also known as c.224C>T), located in coding exon 3 of the SDHB gene, results from a C to T substitution at nucleotide position 224. The alanine at codon 75 is replaced by valine, an amino acid with similar properties. This amino acid position is conserved. In addition, this alteration is predicted to be deleterious by in silico analysis. Based on the available evidence, the clinical significance of this variant remains unclear.

CeGaT Center for Human Genetics Tuebingen
Classification: Uncertain significance. Last evaluated: 2024-11-01. Review status: criteria provided, single submitter. Criteria: CeGaT Center For Human Genetics Tuebingen Variant Classification Criteria Version 2. Collection method: clinical testing. Allele origin: germline. Affected: yes. Observed: 1 variant allele.
Comment: SDHB: PM2